The following is an entry in ClinVar:

NM_152383.5(DIS3L2):c.1659+6T>A

Gene: DIS3L2 (DIS3 like 3'-5' exoribonuclease 2; plus strand). Cytogenetic location: 2q37.1.
Variant type: single nucleotide variant.
Coding change: c.1659+6T>A on transcript NM_152383.5 (MANE Select); 6 bases into the intron after coding-DNA position 1659, T replaced by A.
Molecular consequence: intron variant.
Genome position (GRCh38, 1-based): chr2:232,263,446, T>A. VCF-style: chr2-232263446-T-A. GRCh37 (hg19) VCF-style: chr2-233128156-T-A.
Other names: c.1581+84T>A (NM_001257281.2).
Identifiers: ClinVar variation 896980 (VCV000896980.6), dbSNP rs1693772966, ClinGen allele CA1139657777.

ClinVar aggregate classification (germline): Uncertain significance. Review status: criteria provided, multiple submitters, no conflicts (2 of 4 stars). 2 submissions from 2 submitters: Uncertain significance (2). Last evaluated 2024-05-07.

Conditions:
Perlman syndrome (PRLMNS). Identifiers: Orphanet 2849, MedGen C0796113, MONDO:0009965, OMIM 267000.

Submissions (2):

Labcorp Genetics (formerly Invitae), Labcorp
Classification: Uncertain significance for Perlman syndrome. Last evaluated: 2024-05-07. Review status: criteria provided, single submitter. Criteria: Invitae Variant Classification Sherloc (09022015). Collection method: clinical testing. Allele origin: germline.
Comment: This sequence change falls in intron 13 of the DIS3L2 gene. It does not directly change the encoded amino acid sequence of the DIS3L2 protein. It affects a nucleotide within the consensus splice site. This variant is not present in population databases (gnomAD no frequency). This variant has not been reported in the literature in individuals affected with DIS3L2-related conditions. ClinVar contains an entry for this variant (Variation ID: 896980). Variants that disrupt the consensus splice site are a relatively common cause of aberrant splicing (PMID: 17576681, 9536098). Algorithms developed to predict the effect of sequence changes on RNA splicing suggest that this variant is not likely to affect RNA splicing. In summary, the available evidence is currently insufficient to determine the role of this variant in disease. Therefore, it has been classified as a Variant of Uncertain Significance.

Illumina Laboratory Services, Illumina
Classification: Uncertain significance for Perlman syndrome. Last evaluated: 2018-01-13. Review status: criteria provided, single submitter. Criteria: ICSL Variant Classification Criteria 13 December 2019. Collection method: clinical testing. Allele origin: germline.

Literature cited by the submitters: PubMed 17576681 (cited by Labcorp Genetics (formerly Invitae), Labcorp); PubMed 9536098 (cited by Labcorp Genetics (formerly Invitae), Labcorp).